The following is an entry in ClinVar:

ClinVar aggregate classification (germline): Uncertain significance (1 of 4 stars; one submission).

Conditions:
Inborn genetic diseases. Identifiers: MedGen C0950123, MeSH D030342.

Submission:

Ambry Genetics
Classification: Uncertain significance for Inborn genetic diseases. Last evaluated: 2023-08-11. Review status: criteria provided, single submitter. Criteria: Ambry Variant Classification Scheme 2023. Collection method: clinical testing. Allele origin: germline.
Comment: The p.E517D variant (also known as c.1551A>T), located in coding exon 12 of the BUB1B gene, results from an A to T substitution at nucleotide position 1551. The glutamic acid at codon 517 is replaced by aspartic acid, an amino acid with highly similar properties. This amino acid position is conserved. In addition, this alteration is predicted to be tolerated by in silico analysis. Since supporting evidence is limited at this time, the clinical significance of this alteration remains unclear.

NM_001211.6(BUB1B):c.1551A>T (p.Glu517Asp)

Gene: BUB1B (BUB1 mitotic checkpoint serine/threonine kinase B; plus strand). Cytogenetic location: 15q15.1.
Variant type: single nucleotide variant.
Coding change: c.1551A>T on transcript NM_001211.6 (MANE Select); coding-DNA position 1551, A replaced by T.
Protein change: p.Glu517Asp; replaces glutamic acid 517 with aspartic acid.
Molecular consequence: missense variant.
Genome position (GRCh38, 1-based): chr15:40,200,964, A>T. VCF-style: chr15-40200964-A-T. GRCh37 (hg19) VCF-style: chr15-40493165-A-T.
Other names: short protein forms E517D.
Identifiers: ClinVar variation 2585926 (VCV002585926.2), dbSNP rs781229722, ClinGen allele CA391690772.
Genomic context (GRCh38, chr15:40,200,964, plus strand): 5'-CATGATTTAAAACAAGTTTCTTTACAGAGAAACTTCACTTGCGGAGAACATTTGGCAGGA[A>T]CAACCTCATTCTAAAGGTGAGTTGTATTTGACAGCCTTGAGAAGAACTTGCTGATAACAA-3'
Protein context (NP_001202.5, residues 507-527): ETSLAENIWQ[Glu517Asp]QPHSKGPSVP